The following is an entry in ClinVar:

ClinVar aggregate classification (germline): Conflicting classifications of pathogenicity. Review status: criteria provided, conflicting classifications (1 of 4 stars). 3 submissions from 3 submitters: Likely pathogenic (2); Uncertain significance (1). Last evaluated 2025-09-25.

Conditions:
Galactosylceramide beta-galactosidase deficiency. Also called: Leukodystrophy, Globoid Cell; GALACTOCEREBROSIDASE DEFICIENCY; GALC DEFICIENCY; GLOBOID CELL LEUKOENCEPHALOPATHY; Krabbe Disease. Identifiers: Orphanet 487, MedGen C0023521, MONDO:0009499, OMIM 245200.

Allele frequency attached by ClinVar (database versions not stated): TOPMed below 0.00001; ExAC 0.00001.

Submissions (3):

Women's Health and Genetics/Laboratory Corporation of America, LabCorp
Classification: Uncertain significance. Last evaluated: 2025-09-25. Review status: criteria provided, single submitter. Criteria: LabCorp Variant Classification Summary - May 2015. Collection method: clinical testing. Allele origin: germline.
Comment: Variant summary: GALC c.757C>T (p.His253Tyr) results in a conservative amino acid change located in the Aldolase-type TIM barrel (IPR013785) of the encoded protein sequence. Algorithms developed to predict the effect of missense changes on protein structure and function are either unavailable or do not agree on the potential impact of this missense change. The variant allele was found at a frequency of 4e-06 in 249056 control chromosomes (gnomAD). The available data on variant occurrences in the general population are insufficient to allow any conclusion about variant significance. c.757C>T has been observed in a compound heterozygous individual affected with Krabbe Disease (Zhao_2018). These data do not allow any conclusion about variant significance. To our knowledge, no experimental evidence demonstrating an impact on protein function has been reported. The following publication have been ascertained in the context of this evaluation (PMID: 28598007). ClinVar contains an entry for this variant (Variation ID: 2152211). Based on the evidence outlined above, the variant was classified as uncertain significance.

Genesolutions, Medical Genetics Institutes, Ho Chi Minh City, Vietnam
Classification: Likely pathogenic for Galactosylceramide beta-galactosidase deficiency. Last evaluated: 2025-09-24. Review status: criteria provided, single submitter. Criteria: ACMG Guidelines, 2015. Collection method: clinical testing. Allele origin: germline. Affected: yes.

Labcorp Genetics (formerly Invitae), Labcorp
Classification: Likely pathogenic for Galactosylceramide beta-galactosidase deficiency. Last evaluated: 2024-04-15. Review status: criteria provided, single submitter. Criteria: Invitae Variant Classification Sherloc (09022015). Collection method: clinical testing. Allele origin: germline.
Comment: This sequence change replaces histidine, which is basic and polar, with tyrosine, which is neutral and polar, at codon 253 of the GALC protein (p.His253Tyr). This variant is present in population databases (rs781003161, gnomAD 0.006%). This missense change has been observed in individual(s) with Krabbe disease (PMID: 28598007). ClinVar contains an entry for this variant (Variation ID: 2152211). Advanced modeling of protein sequence and biophysical properties (such as structural, functional, and spatial information, amino acid conservation, physicochemical variation, residue mobility, and thermodynamic stability) performed at Invitae indicates that this missense variant is expected to disrupt GALC protein function with a positive predictive value of 95%. In summary, the currently available evidence indicates that the variant is pathogenic, but additional data are needed to prove that conclusively. Therefore, this variant has been classified as Likely Pathogenic.

Literature cited by the submitters: PubMed 28598007 (cited by Women's Health and Genetics/Laboratory Corporation of America, LabCorp and Labcorp Genetics (formerly Invitae), Labcorp).

NM_000153.4(GALC):c.757C>T (p.His253Tyr)

Gene: GALC (galactosylceramidase; minus strand). Cytogenetic location: 14q31.3.
Variant type: single nucleotide variant.
Coding change: c.757C>T on transcript NM_000153.4 (MANE Select); coding-DNA position 757, C replaced by T.
Protein change: p.His253Tyr; replaces histidine 253 with tyrosine.
Molecular consequence: missense variant.
Genome position (GRCh38, 1-based): chr14:87,968,486, G>A on the plus strand (C>T on the coding strand, the complement: GALC is on the minus strand). VCF-style: chr14-87968486-G-A. GRCh37 (hg19) VCF-style: chr14-88434830-G-A.
Other names: c.757C>T (NM_000153.3); c.688C>T, p.His230Tyr (NM_001201401.2); c.679C>T, p.His227Tyr (NM_001201402.2); short protein forms H230Y, H253Y, H227Y.
Identifiers: ClinVar variation 2152211 (VCV002152211.6), dbSNP rs781003161, ClinGen allele CA7297243.